The following is an entry in ClinVar:

NM_001035.3(RYR2):c.12979G>C (p.Val4327Leu)

Genes: RYR2 (ryanodine receptor 2; plus strand), LOC126806068 (BRD4-independent group 4 enhancer GRCh37_chr1:237947411-237948610; plus strand). Cytogenetic location: 1q43.
Variant type: single nucleotide variant.
Coding change: c.12979G>C on transcript NM_001035.3 (MANE Select); coding-DNA position 12979, G replaced by C.
Protein change: p.Val4327Leu; replaces valine 4327 with leucine.
Molecular consequence: missense variant.
Genome position (GRCh38, 1-based): chr1:237,784,691, G>C. VCF-style: chr1-237784691-G-C. GRCh37 (hg19) VCF-style: chr1-237947991-G-C.
Other names: short protein forms V4327L.
Identifiers: ClinVar variation 3070081 (VCV003070081.2), dbSNP rs766878825, ClinGen allele CA085279.

ClinVar aggregate classification (germline): Uncertain significance. Review status: criteria provided, multiple submitters, no conflicts (2 of 4 stars). 2 submissions from 2 submitters: Uncertain significance (2). Last evaluated 2025-04-03.

Conditions:
Catecholaminergic polymorphic ventricular tachycardia (CVPT). Also called: Catecholamine-induced polymorphic ventricular tachycardia. Identifiers: Orphanet 3286, MedGen C5574922, MONDO:0017990.
Catecholaminergic polymorphic ventricular tachycardia 1. Also called: RYR2-Related Catecholaminergic Polymorphic Ventricular Tachycardia; VENTRICULAR TACHYCARDIA, STRESS-INDUCED POLYMORPHIC 1; VENTRICULAR TACHYCARDIA, CATECHOLAMINERGIC POLYMORPHIC, 1, WITH OR WITHOUT ATRIAL DYSFUNCTION AND/OR DILATED CARDIOMYOPATHY. Identifiers: Orphanet 3286, MedGen C1631597, MONDO:0011484, OMIM 604772.

Allele frequency attached by ClinVar (database versions not stated): ExAC 0.00001; gnomAD 0.00001; gnomAD exomes 0.00001.

Submissions (2):

Labcorp Genetics (formerly Invitae), Labcorp
Classification: Uncertain significance for Catecholaminergic polymorphic ventricular tachycardia 1. Last evaluated: 2025-04-03. Review status: criteria provided, single submitter. Criteria: Invitae Variant Classification Sherloc (09022015). Collection method: clinical testing. Allele origin: germline.
Comment: This sequence change replaces valine, which is neutral and non-polar, with leucine, which is neutral and non-polar, at codon 4327 of the RYR2 protein (p.Val4327Leu). This variant is present in population databases (rs766878825, gnomAD 0.01%). This variant has not been reported in the literature in individuals affected with RYR2-related conditions. ClinVar contains an entry for this variant (Variation ID: 3070081). Invitae Evidence Modeling of protein sequence and biophysical properties (such as structural, functional, and spatial information, amino acid conservation, physicochemical variation, residue mobility, and thermodynamic stability) has been performed for this missense variant. However, the output from this modeling did not meet the statistical confidence thresholds required to predict the impact of this variant on RYR2 protein function. In summary, the available evidence is currently insufficient to determine the role of this variant in disease. Therefore, it has been classified as a Variant of Uncertain Significance.

All of Us Research Program, National Institutes of Health
Classification: Uncertain significance for Catecholaminergic polymorphic ventricular tachycardia. Last evaluated: 2023-04-03. Review status: criteria provided, single submitter. Criteria: ACMG Guidelines, 2015. Collection method: clinical testing. Allele origin: germline. Inheritance: Autosomal dominant inheritance. Observed: 1 variant allele, 1 heterozygote.
Comment: This missense variant replaces valine with leucine at codon 4327 of the RYR2 protein. Computational prediction is inconclusive regarding the impact of this variant on protein structure and function (internally defined REVEL score threshold 0.5 < inconclusive < 0.7, PMID: 27666373). To our knowledge, functional studies have not been reported for this variant. This variant has not been reported in individuals affected with RYR2-related disorders in the literature. This variant has been identified in 3/278936 chromosomes in the general population by the Genome Aggregation Database (gnomAD). The available evidence is insufficient to determine the role of this variant in disease conclusively. Therefore, this variant is classified as a Variant of Uncertain Significance.

This study involves interpretation of variants in research participants for the purpose of population health screening. Participant phenotype was not available at the time of variant classification. Additional details can be found in publication PMID: 35346344, PMCID: PMC8962531